The following is an entry in ClinVar:

ClinVar aggregate classification (germline): Uncertain significance (1 of 4 stars; one submission).

Conditions:
Spastic paraplegia. Identifiers: MedGen C0037772, HP:0001258.

Allele frequency attached by ClinVar (database versions not stated): gnomAD exomes below 0.00001.
gnomAD v4.1: 4 of 1,610,994 alleles (0.00025%); highest among the groups gnomAD compares: Non-Finnish European, 0.00034%; no homozygotes.

Submission:

Labcorp Genetics (formerly Invitae), Labcorp
Classification: Uncertain significance for Spastic paraplegia. Last evaluated: 2022-07-22. Review status: criteria provided, single submitter. Criteria: Invitae Variant Classification Sherloc (09022015). Collection method: clinical testing. Allele origin: germline.
Comment: This sequence change replaces valine, which is neutral and non-polar, with isoleucine, which is neutral and non-polar, at codon 113 of the CYP7B1 protein (p.Val113Ile). This variant is not present in population databases (gnomAD no frequency). This variant has not been reported in the literature in individuals affected with CYP7B1-related conditions. Algorithms developed to predict the effect of missense changes on protein structure and function output the following: SIFT: "Tolerated"; PolyPhen-2: "Benign"; Align-GVGD: "Class C0". The isoleucine amino acid residue is found in multiple mammalian species, which suggests that this missense change does not adversely affect protein function. In summary, the available evidence is currently insufficient to determine the role of this variant in disease. Therefore, it has been classified as a Variant of Uncertain Significance.

NM_004820.5(CYP7B1):c.337G>A (p.Val113Ile)

Gene: CYP7B1 (cytochrome P450 family 7 subfamily B member 1; minus strand). Cytogenetic location: 8q12.3.
Variant type: single nucleotide variant.
Coding change: c.337G>A on transcript NM_004820.5 (MANE Select); coding-DNA position 337, G replaced by A.
Protein change: p.Val113Ile; replaces valine 113 with isoleucine.
Molecular consequence: missense variant.
Genome position (GRCh38, 1-based): chr8:64,616,204, C>T on the plus strand (G>A on the coding strand, the complement: CYP7B1 is on the minus strand). VCF-style: chr8-64616204-C-T. GRCh37 (hg19) VCF-style: chr8-65528761-C-T.
Other names: c.337G>A, p.Val113Ile (NM_001324112.2); short protein forms V113I.
Identifiers: ClinVar variation 2140267 (VCV002140267.2), dbSNP rs1563364483, ClinGen allele CA371336131.